The following is an entry in ClinVar:

NM_014339.7(IL17RA):c.386T>A (p.Phe129Tyr)

Gene: IL17RA (interleukin 17 receptor A; plus strand). Cytogenetic location: 22q11.1.
Variant type: single nucleotide variant.
Coding change: c.386T>A on transcript NM_014339.7 (MANE Select); coding-DNA position 386, T replaced by A.
Protein change: p.Phe129Tyr; replaces phenylalanine 129 with tyrosine.
Molecular consequence: missense variant.
Genome position (GRCh38, 1-based): chr22:17,098,850, T>A. VCF-style: chr22-17098850-T-A. GRCh37 (hg19) VCF-style: chr22-17579740-T-A.
Other names: c.386T>A, p.Phe129Tyr (NM_001289905.2); short protein forms F129Y.
Identifiers: ClinVar variation 964296 (VCV000964296.8), dbSNP rs372834294, ClinGen allele CA10086328.

ClinVar aggregate classification (germline): Uncertain significance (1 of 4 stars; one submission).

Conditions:
Immunodeficiency 51 (IMD51). Also called: CANDIDIASIS, FAMILIAL, 5. Identifiers: Orphanet 1334, MedGen C4310803, MONDO:0013500, OMIM 613953.

Allele frequency attached by ClinVar (database versions not stated): ExAC 0.00001; gnomAD exomes 0.00001 and 0.00003; TOPMed 0.00003; ESP Exome Variant Server 0.00008.
gnomAD v4.1: 47 of 1,614,090 alleles (0.0029%); highest among the groups gnomAD compares: Non-Finnish European, 0.0036%; no homozygotes.

Submission:

Labcorp Genetics (formerly Invitae), Labcorp
Classification: Uncertain significance for Immunodeficiency 51. Last evaluated: 2022-02-04. Review status: criteria provided, single submitter. Criteria: Invitae Variant Classification Sherloc (09022015). Collection method: clinical testing. Allele origin: germline.
Comment: This sequence change replaces phenylalanine, which is neutral and non-polar, with tyrosine, which is neutral and polar, at codon 129 of the IL17RA protein (p.Phe129Tyr). This variant is present in population databases (rs372834294, gnomAD 0.01%). This variant has not been reported in the literature in individuals affected with IL17RA-related conditions. ClinVar contains an entry for this variant (Variation ID: 964296). Algorithms developed to predict the effect of missense changes on protein structure and function are either unavailable or do not agree on the potential impact of this missense change (SIFT: "Tolerated"; PolyPhen-2: "Probably Damaging"; Align-GVGD: "Class C0"). In summary, the available evidence is currently insufficient to determine the role of this variant in disease. Therefore, it has been classified as a Variant of Uncertain Significance.